The following is an entry in ClinVar:

ClinVar aggregate classification (germline): Uncertain significance. Review status: criteria provided, multiple submitters, no conflicts (2 of 4 stars). 2 submissions from 2 submitters: Uncertain significance (2). Last evaluated 2025-04-30.

Submissions (2):

Labcorp Genetics (formerly Invitae), Labcorp
Classification: Uncertain significance. Last evaluated: 2025-04-30. Review status: criteria provided, single submitter. Criteria: Invitae Variant Classification Sherloc (09022015). Collection method: clinical testing. Allele origin: germline.
Comment: This sequence change replaces tryptophan, which is neutral and slightly polar, with cysteine, which is neutral and slightly polar, at codon 385 of the SMARCB1 protein (p.Trp385Cys). This variant is not present in population databases (gnomAD no frequency). This variant has not been reported in the literature in individuals affected with SMARCB1-related conditions. ClinVar contains an entry for this variant (Variation ID: 1306948). An algorithm developed to predict the effect of missense changes on protein structure and function (PolyPhen-2) suggests that this variant is likely to be disruptive. In summary, the available evidence is currently insufficient to determine the role of this variant in disease. Therefore, it has been classified as a Variant of Uncertain Significance.

GeneDx
Classification: Uncertain significance. Last evaluated: 2024-09-10. Review status: criteria provided, single submitter. Criteria: GeneDx Variant Classification Process June 2021. Collection method: clinical testing. Allele origin: germline. Affected: yes.
Comment: Not observed at significant frequency in large population cohorts (gnomAD); In silico analysis supports that this missense variant has a deleterious effect on protein structure/function; Has not been previously published as pathogenic or benign to our knowledge

NM_003073.5(SMARCB1):c.1155G>C (p.Trp385Cys)

Gene: SMARCB1 (SWI/SNF related BAF chromatin remodeling complex subunit B1; plus strand). Cytogenetic location: 22q11.23.
Variant type: single nucleotide variant.
Coding change: c.1155G>C on transcript NM_003073.5 (MANE Select); coding-DNA position 1155, G replaced by C.
Protein change: p.Trp385Cys; replaces tryptophan 385 with cysteine.
Molecular consequence: missense variant.
Genome position (GRCh38, 1-based): chr22:23,834,177, G>C. VCF-style: chr22-23834177-G-C. GRCh37 (hg19) VCF-style: chr22-24176364-G-C.
Other names: c.1128G>C, p.Trp376Cys (NM_001007468.3); c.1182G>C, p.Trp394Cys (NM_001317946.2); c.1209G>C, p.Trp403Cys (NM_001362877.2); short protein forms W376C, W385C, W394C, W403C.
Identifiers: ClinVar variation 1306948 (VCV001306948.8), dbSNP rs2030841425, ClinGen allele CA410914822.